The following is an entry in ClinVar:

NM_173560.4(RFX6):c.1595T>G (p.Ile532Ser)

Gene: RFX6 (regulatory factor X6; plus strand). Cytogenetic location: 6q22.1.
Variant type: single nucleotide variant.
Coding change: c.1595T>G on transcript NM_173560.4 (MANE Select); coding-DNA position 1595, T replaced by G.
Protein change: p.Ile532Ser; replaces isoleucine 532 with serine.
Molecular consequence: missense variant.
Genome position (GRCh38, 1-based): chr6:116,924,708, T>G. VCF-style: chr6-116924708-T-G. GRCh37 (hg19) VCF-style: chr6-117245871-T-G.
Other names: short protein forms I532S.
Identifiers: ClinVar variation 4076528 (VCV004076528.1).

ClinVar aggregate classification (germline): Uncertain significance (1 of 4 stars; one submission).

Submission:

GeneDx
Classification: Uncertain significance. Last evaluated: 2025-02-25. Review status: criteria provided, single submitter. Criteria: GeneDx Variant Classification Process June 2021. Collection method: clinical testing. Allele origin: germline. Affected: yes.
Comment: Not observed at significant frequency in large population cohorts (gnomAD); In silico analysis supports that this missense variant has a deleterious effect on protein structure/function; Has not been previously published as pathogenic or benign to our knowledge; In silico analysis suggests this variant may impact gene splicing. In the absence of RNA/functional studies, the actual effect of this sequence change is unknown.